The following is an entry in ClinVar:

NM_000548.5(TSC2):c.4903_4917del (p.Cys1635_Arg1639del)

Gene: TSC2 (TSC complex subunit 2; plus strand). Cytogenetic location: 16p13.3.
Variant type: Deletion.
Coding change: c.4903_4917del on transcript NM_000548.5 (MANE Select); coding-DNA positions 4903 to 4917, 15 bases deleted (TGCGACAAGAAGCGC).
Protein change: p.Cys1635_Arg1639del.
Molecular consequence: inframe deletion. On other transcripts: inframe indel (32).
Genome position (GRCh38, 1-based): chr16:2,086,785-2,086,799, TGCGACAAGAAGCGC deleted; deleting any 15 consecutive bases within chr16:2,086,782-2,086,799 gives the same sequence; the c. name uses the placement nearest the transcript's 3' end. VCF-style (leftmost placement, unchanged base first): chr16-2086781-CCGCTGCGACAAGAAG-C. GRCh37 (hg19) VCF-style: chr16-2136782-CCGCTGCGACAAGAAG-C.
Other names: c.4702_4716del, p.Cys1568_Arg1572del (NM_001077183.3); c.4834_4848del, p.Cys1612_Arg1616del (NM_001114382.3); c.4594_4608del, p.Cys1532_Arg1536del (NM_001318827.2); c.4558_4572del, p.Cys1520_Arg1524del (NM_001318829.2); c.4171_4185del, p.Cys1391_Arg1395del (NM_001318831.2); c.4735_4749del, p.Cys1579_Arg1583del (NM_001318832.2); c.4705_4719del, p.Cys1569_Arg1573del (NM_001363528.2); c.4771_4785del, p.Cys1591_Arg1595del (NM_001370404.1); and 26 more.
Identifiers: ClinVar variation 2083152 (VCV002083152.4), dbSNP rs2544402252, ClinGen allele CA2580091085.

ClinVar aggregate classification (germline): Pathogenic (1 of 4 stars; one submission).

Conditions:
Tuberous sclerosis 2 (TSC2). Identifiers: Orphanet 805, MedGen C1860707, MONDO:0013199, OMIM 613254.

Submission:

Labcorp Genetics (formerly Invitae), Labcorp
Classification: Pathogenic for Tuberous sclerosis 2. Last evaluated: 2022-08-16. Review status: criteria provided, single submitter. Criteria: Invitae Variant Classification Sherloc (09022015). Collection method: clinical testing. Allele origin: germline.
Comment: This variant, c.4903_4917del, results in the deletion of 5 amino acid(s) of the TSC2 protein (p.Cys1635_Arg1639del), but otherwise preserves the integrity of the reading frame. This variant is not present in population databases (gnomAD no frequency). This variant has not been reported in the literature in individuals affected with TSC2-related conditions. This variant disrupts a region of the TSC2 protein in which other variant(s) (p.Lys1638del) have been determined to be pathogenic (PMID: 17304050, 20165957, 21520333, 22867869). This suggests that this is a clinically significant region of the protein, and that variants that disrupt it are likely to be disease-causing. For these reasons, this variant has been classified as Pathogenic.

Literature cited by the submitters: PubMed 17304050; PubMed 20165957; PubMed 21520333; PubMed 22867869.